The following is an entry in ClinVar:

NM_182914.3(SYNE2):c.10970T>C (p.Ile3657Thr)

Gene: SYNE2 (spectrin repeat containing nuclear envelope protein 2; plus strand). Cytogenetic location: 14q23.2.
Variant type: single nucleotide variant.
Coding change: c.10970T>C on transcript NM_182914.3 (MANE Select); coding-DNA position 10970, T replaced by C.
Protein change: p.Ile3657Thr; replaces isoleucine 3657 with threonine.
Molecular consequence: missense variant.
Genome position (GRCh38, 1-based): chr14:64,076,048, T>C. VCF-style: chr14-64076048-T-C. GRCh37 (hg19) VCF-style: chr14-64542766-T-C.
Other names: c.10970T>C, p.Ile3657Thr (NM_015180.6); short protein forms I3657T.
Identifiers: ClinVar variation 1016856 (VCV001016856.8), dbSNP rs765755231, ClinGen allele CA7221659.

ClinVar aggregate classification (germline): Uncertain significance (1 of 4 stars; one submission).

Conditions:
Emery-Dreifuss muscular dystrophy 5, autosomal dominant (EDMD5). Also called: EMERY-DREIFUSS MUSCULAR DYSTROPHY 5. Identifiers: Orphanet 261, MedGen C2751805, MONDO:0013072, OMIM 612999.

Allele frequency attached by ClinVar (database versions not stated): gnomAD exomes below 0.00001 and 0.00002; ExAC 0.00001.
gnomAD v4.1: 6 of 1,613,898 alleles (0.00037%); highest among the groups gnomAD compares: Middle Eastern, 0.017%; no homozygotes.

Submission:

Labcorp Genetics (formerly Invitae), Labcorp
Classification: Uncertain significance for Emery-Dreifuss muscular dystrophy 5, autosomal dominant. Last evaluated: 2024-03-08. Review status: criteria provided, single submitter. Criteria: Invitae Variant Classification Sherloc (09022015). Collection method: clinical testing. Allele origin: germline.
Comment: This sequence change replaces isoleucine, which is neutral and non-polar, with threonine, which is neutral and polar, at codon 3657 of the SYNE2 protein (p.Ile3657Thr). This variant is present in population databases (rs765755231, gnomAD 0.01%). This variant has not been reported in the literature in individuals affected with SYNE2-related conditions. ClinVar contains an entry for this variant (Variation ID: 1016856). An algorithm developed to predict the effect of missense changes on protein structure and function (PolyPhen-2) suggests that this variant is likely to be tolerated. In summary, the available evidence is currently insufficient to determine the role of this variant in disease. Therefore, it has been classified as a Variant of Uncertain Significance.